The following is an entry in ClinVar:

ClinVar aggregate classification (germline): Uncertain significance (1 of 4 stars; one submission).

Conditions:
Vici syndrome (VICIS). Identifiers: Orphanet 1493, MedGen C1855772, MONDO:0009452, OMIM 242840.

Submission:

Labcorp Genetics (formerly Invitae), Labcorp
Classification: Uncertain significance for Vici syndrome. Last evaluated: 2022-09-01. Review status: criteria provided, single submitter. Criteria: Invitae Variant Classification Sherloc (09022015). Collection method: clinical testing. Allele origin: germline.
Comment: This sequence change replaces glutamic acid, which is acidic and polar, with glycine, which is neutral and non-polar, at codon 277 of the EPG5 protein (p.Glu277Gly). This variant is not present in population databases (gnomAD no frequency). This variant has not been reported in the literature in individuals affected with EPG5-related conditions. ClinVar contains an entry for this variant (Variation ID: 948066). Algorithms developed to predict the effect of missense changes on protein structure and function are either unavailable or do not agree on the potential impact of this missense change (SIFT: "Tolerated"; PolyPhen-2: "Probably Damaging"; Align-GVGD: "Class C0"). In summary, the available evidence is currently insufficient to determine the role of this variant in disease. Therefore, it has been classified as a Variant of Uncertain Significance.

NM_020964.3(EPG5):c.830A>G (p.Glu277Gly)

Gene: EPG5 (ectopic P-granules 5 autophagy tethering factor; minus strand). Cytogenetic location: 18q21.1.
Variant type: single nucleotide variant.
Coding change: c.830A>G on transcript NM_020964.3 (MANE Select); coding-DNA position 830, A replaced by G.
Protein change: p.Glu277Gly; replaces glutamic acid 277 with glycine.
Molecular consequence: missense variant.
Genome position (GRCh38, 1-based): chr18:45,954,572, T>C on the plus strand (A>G on the coding strand, the complement: EPG5 is on the minus strand). VCF-style: chr18-45954572-T-C. GRCh37 (hg19) VCF-style: chr18-43534538-T-C.
Other names: short protein forms E277G.
Identifiers: ClinVar variation 948066 (VCV000948066.10), dbSNP rs2050982781, ClinGen allele CA402350883.